The following is an entry in ClinVar:

NM_139276.3(STAT3):c.551-3C>A

Gene: STAT3 (signal transducer and activator of transcription 3; minus strand). Cytogenetic location: 17q21.2.
Variant type: single nucleotide variant.
Coding change: c.551-3C>A on transcript NM_139276.3 (MANE Select); 3 bases into the intron before coding-DNA position 551, C replaced by A.
Molecular consequence: intron variant.
Genome position (GRCh38, 1-based): chr17:42,337,860, G>T on the plus strand (C>A on the coding strand, the complement: STAT3 is on the minus strand). VCF-style: chr17-42337860-G-T. GRCh37 (hg19) VCF-style: chr17-40489878-G-T.
Other names: c.455-3C>A (NM_001384989.1); c.551-3C>A (NM_001384992.1, NM_001384984.1, NM_001369519.1 and 15 more transcripts); c.473-3C>A (NM_001384985.1).
Identifiers: ClinVar variation 2937125 (VCV002937125.3), dbSNP rs772586686, ClinGen allele CA8575605.
Genomic context (GRCh38, chr17:42,337,860, plus strand): 5'-AGCTGCTGCATCTTCTGCCTGGTCACTGACTGGTTGTTTCCATTCAGATCTTGCATGTCT[G>T]CGAAGGAAGAAAAAACTCCTTGACCTGAGGGAATACTCCTTGACCTGAGGGAATACTCCT-3'

ClinVar aggregate classification (germline): Uncertain significance (1 of 4 stars; one submission).

Conditions:
Hyper-IgE recurrent infection syndrome 1, autosomal dominant. Also called: JOB SYNDROME; Job's Syndrome; STAT3 Hyper IgE Syndrome; Hyper-IgE recurrent infection syndrome 1; HYPER-IgE SYNDROME 1, AUTOSOMAL DOMINANT, WITH RECURRENT INFECTIONS. Identifiers: Orphanet 2314, MedGen C2936739, MONDO:0007818, OMIM 147060.
STAT3 gain of function. Identifiers: MedGen C4288261.

Allele frequency attached by ClinVar (database versions not stated): gnomAD exomes below 0.00001; ExAC 0.00001.
gnomAD v4.1: 2 of 1,614,030 alleles (0.00012%); highest among the groups gnomAD compares: Non-Finnish European, 0.00017%; no homozygotes.

Submission:

Labcorp Genetics (formerly Invitae), Labcorp
Classification: Uncertain significance for STAT3 gain of function; Hyper-IgE recurrent infection syndrome 1, autosomal dominant. Last evaluated: 2023-07-03. Review status: criteria provided, single submitter. Criteria: Invitae Variant Classification Sherloc (09022015). Collection method: clinical testing. Allele origin: germline.
Comment: In summary, the available evidence is currently insufficient to determine the role of this variant in disease. Therefore, it has been classified as a Variant of Uncertain Significance. Variants that disrupt the consensus splice site are a relatively common cause of aberrant splicing (PMID: 17576681, 9536098). Algorithms developed to predict the effect of sequence changes on RNA splicing suggest that this variant may disrupt the consensus splice site. This variant has not been reported in the literature in individuals affected with STAT3-related conditions. This variant is present in population databases (rs772586686, gnomAD 0.0009%). This sequence change falls in intron 6 of the STAT3 gene. It does not directly change the encoded amino acid sequence of the STAT3 protein. It affects a nucleotide within the consensus splice site.

Literature cited by the submitters: PubMed 17576681; PubMed 9536098.